The following is an entry in ClinVar:

ClinVar aggregate classification (germline): Pathogenic. Review status: criteria provided, multiple submitters, no conflicts (2 of 4 stars). 2 submissions from 2 submitters: Pathogenic (2). Last evaluated 2023-08-18.

Conditions:
Mitochondrial trifunctional protein deficiency. Identifiers: Orphanet 746, MedGen C1969443, MONDO:0012172.
Long chain 3-hydroxyacyl-CoA dehydrogenase deficiency. Also called: Deficiency of long-chain 3-hydroxyacyl-coenzyme A dehydrogenase; LCHAD Deficiency. Identifiers: Orphanet 5, MedGen C3711645, MONDO:0012173, OMIM 609016.

Submissions (2):

Myriad Genetics, Inc.
Classification: Pathogenic for Long chain 3-hydroxyacyl-CoA dehydrogenase deficiency. Last evaluated: 2023-08-18. Review status: criteria provided, single submitter. Criteria: Myriad Autosomal Dominant, Autosomal Recessive and X-Linked Classification Criteria (2023). Collection method: clinical testing. Allele origin: unknown.
Comment: NM_000182.4(HADHA):c.944_956del13(G315Vfs*13) is expected to be pathogenic in the context of HADHA-related disorders. This variant is predicted to lead to an abnormal or absent protein product due to the creation of a premature termination codon in HADHA, a gene where loss-of-function variants are known to be pathogenic. Please note: this variant was assessed in the context of healthy population screening.

Labcorp Genetics (formerly Invitae), Labcorp
Classification: Pathogenic for Mitochondrial trifunctional protein deficiency; Long chain 3-hydroxyacyl-CoA dehydrogenase deficiency. Last evaluated: 2023-05-19. Review status: criteria provided, single submitter. Criteria: Invitae Variant Classification Sherloc (09022015). Collection method: clinical testing. Allele origin: germline.
Comment: This sequence change creates a premature translational stop signal (p.Gly315Valfs*13) in the HADHA gene. It is expected to result in an absent or disrupted protein product. Loss-of-function variants in HADHA are known to be pathogenic (PMID: 7738175, 21103935, 21549624, 22459206). This variant is not present in population databases (gnomAD no frequency). This variant has not been reported in the literature in individuals affected with HADHA-related conditions. For these reasons, this variant has been classified as Pathogenic.

Literature cited by the submitters: PubMed 7738175 (cited by Labcorp Genetics (formerly Invitae), Labcorp); PubMed 21103935 (cited by Labcorp Genetics (formerly Invitae), Labcorp); PubMed 21549624 (cited by Labcorp Genetics (formerly Invitae), Labcorp); PubMed 22459206 (cited by Labcorp Genetics (formerly Invitae), Labcorp).

NM_000182.5(HADHA):c.944_956del (p.Gly315fs)

Gene: HADHA (hydroxyacyl-CoA dehydrogenase trifunctional multienzyme complex subunit alpha; minus strand). Cytogenetic location: 2p23.3.
Variant type: Deletion.
Coding change: c.944_956del on transcript NM_000182.5 (MANE Select); coding-DNA positions 944 to 956, 13 bases deleted (GGAGTGATGCCGG).
Protein change: p.Gly315fs; shifts the reading frame from glycine 315.
Molecular consequence: frameshift variant.
Genome position (GRCh38, 1-based): chr2:26,212,589-26,212,601, CCGGCATCACTCC deleted on the plus strand (GGAGTGATGCCGG on the coding strand, the reverse complement: HADHA is on the minus strand); deleting any 13 consecutive bases within chr2:26,212,589-26,212,602 gives the same sequence; the c. name uses the placement nearest the transcript's 3' end. VCF-style (leftmost placement, unchanged base first): chr2-26212588-ACCGGCATCACTCC-A. GRCh37 (hg19) VCF-style: chr2-26435457-ACCGGCATCACTCC-A.
Other names: short protein forms G315fs.
Identifiers: ClinVar variation 2947938 (VCV002947938.4), dbSNP rs2465556878, ClinGen allele CA2740092782.